The following is an entry in ClinVar:

ClinVar aggregate classification (germline): Uncertain significance. Review status: criteria provided, multiple submitters, no conflicts (2 of 4 stars). 2 submissions from 2 submitters: Uncertain significance (2). Last evaluated 2023-08-31.

Conditions:
Hypercholesterolemia, autosomal dominant, type B (FHCL2). Also called: APOB-Related Familial Hypercholesterolemia, Autosomal Dominant; Familial Hypercholesterolemia Type B; APOLIPOPROTEIN B-100, FAMILIAL DEFECTIVE; APOLIPOPROTEIN B-100, FAMILIAL LIGAND-DEFECTIVE; HYPERCHOLESTEROLEMIA, FAMILIAL, DUE TO LIGAND-DEFECTIVE APOLIPOPROTEIN B; Hyperlipoproteinemia Type IIb. Identifiers: MedGen C1704417, MONDO:0007751, OMIM 144010.
Familial hypobetalipoproteinemia 1. Also called: Hypobetalipoproteinemia, normotriglyceridemic; Acanthocytosis with hypobetalipoproteinemia; APOB-Related Familial Hypobetalipoproteinemia. Identifiers: MedGen C4551990, MONDO:0014252, OMIM 615558.

Submissions (2):

Labcorp Genetics (formerly Invitae), Labcorp
Classification: Uncertain significance for Familial hypobetalipoproteinemia 1; Hypercholesterolemia, autosomal dominant, type B. Last evaluated: 2023-08-31. Review status: criteria provided, single submitter. Criteria: Invitae Variant Classification Sherloc (09022015). Collection method: clinical testing. Allele origin: germline.
Comment: This sequence change replaces histidine, which is basic and polar, with leucine, which is neutral and non-polar, at codon 596 of the APOB protein (p.His596Leu). This variant is not present in population databases (gnomAD no frequency). This variant has not been reported in the literature in individuals affected with APOB-related conditions. Advanced modeling of protein sequence and biophysical properties (such as structural, functional, and spatial information, amino acid conservation, physicochemical variation, residue mobility, and thermodynamic stability) performed at Invitae indicates that this missense variant is expected to disrupt APOB protein function. In summary, the available evidence is currently insufficient to determine the role of this variant in disease. Therefore, it has been classified as a Variant of Uncertain Significance.

GeneDx
Classification: Uncertain significance. Last evaluated: 2023-07-18. Review status: criteria provided, single submitter. Criteria: GeneDx Variant Classification Process June 2021. Collection method: clinical testing. Allele origin: germline. Affected: yes.
Comment: Not observed at significant frequency in large population cohorts (gnomAD); In silico analysis supports that this missense variant has a deleterious effect on protein structure/function; Has not been previously published as pathogenic or benign to our knowledge

NM_000384.3(APOB):c.1787A>T (p.His596Leu)

Gene: APOB (apolipoprotein B; minus strand). Cytogenetic location: 2p24.1.
Variant type: single nucleotide variant.
Coding change: c.1787A>T on transcript NM_000384.3 (MANE Select); coding-DNA position 1787, A replaced by T.
Protein change: p.His596Leu; replaces histidine 596 with leucine.
Molecular consequence: missense variant.
Genome position (GRCh38, 1-based): chr2:21,028,369, T>A on the plus strand (A>T on the coding strand, the complement: APOB is on the minus strand). VCF-style: chr2-21028369-T-A. GRCh37 (hg19) VCF-style: chr2-21251241-T-A.
Other names: c.1787A>T (NM_000384.2); short protein forms H596L.
Identifiers: ClinVar variation 2951076 (VCV002951076.4), dbSNP rs2465421674, ClinGen allele CA346014325.
Genomic context (GRCh38, chr2:21,028,369, plus strand): 5'-TGAATAGCTCTTACTTACTCTTGGATATCCAATTCTTCTGAGTTCAAGATATTGGCAATA[T>A]GGGAAGCCACAAAGTTCTTCACTTGCTCATTCTGTTCCCATGGTAGAATTTGGACAATTT-3'
Protein context (NP_000375.3, residues 586-606): NEQVKNFVAS[His596Leu]IANILNSEEL